The following is an entry in ClinVar:

NM_001164508.2(NEB):c.9542A>G (p.Asp3181Gly)

Gene: NEB (nebulin; minus strand). Cytogenetic location: 2q23.3.
Variant type: single nucleotide variant.
Coding change: c.9542A>G on transcript NM_001164508.2 (MANE Select); coding-DNA position 9542, A replaced by G.
Protein change: p.Asp3181Gly; replaces aspartic acid 3181 with glycine.
Molecular consequence: missense variant. On other transcripts: intron variant (1).
Genome position (GRCh38, 1-based): chr2:151,631,219, T>C on the plus strand (A>G on the coding strand, the complement: NEB is on the minus strand). VCF-style: chr2-151631219-T-C. GRCh37 (hg19) VCF-style: chr2-152487733-T-C.
Other names: c.9542A>G, p.Asp3181Gly (NM_001164507.2, NM_001271208.2); c.8854-41A>G (NM_004543.5); short protein forms D3181G.
Identifiers: ClinVar variation 2202164 (VCV002202164.1), dbSNP rs767042929, ClinGen allele CA1909285.
Genomic context (GRCh38, chr2:151,631,219, plus strand): 5'-GCATTGTTCTTGGCCAGCACCTGCTCTAGAGAATCAGTCACACTGGTAAATTTCAGCTTG[T>C]CCGGAGGCTGGCGGTAGATGTTATCACTCAGTATTTCGGTAGCTCTCTTGCACTTGACCA-3'
Protein context (NP_001157980.2, residues 3171-3191): LSDNIYRQPP[Asp3181Gly]KLKFTSVTDS

ClinVar aggregate classification (germline): Uncertain significance (1 of 4 stars; one submission).

Conditions:
Nemaline myopathy 2 (NEM2). Also called: Nemaline myopathy 2, autosomal recessive. Identifiers: MedGen C1850569, MONDO:0009725, OMIM 256030.

gnomAD v4.1: 5 of 1,613,892 alleles (0.00031%); highest among the groups gnomAD compares: Admixed American, 0.0083%; no homozygotes.

Submission:

Labcorp Genetics (formerly Invitae), Labcorp
Classification: Uncertain significance for Nemaline myopathy 2. Last evaluated: 2022-08-12. Review status: criteria provided, single submitter. Criteria: Invitae Variant Classification Sherloc (09022015). Collection method: clinical testing. Allele origin: germline.
Comment: This sequence change replaces aspartic acid, which is acidic and polar, with glycine, which is neutral and non-polar, at codon 3181 of the NEB protein (p.Asp3181Gly). This variant is present in population databases (rs767042929, gnomAD 0.02%). This variant has not been reported in the literature in individuals affected with NEB-related conditions. Algorithms developed to predict the effect of missense changes on protein structure and function are either unavailable or do not agree on the potential impact of this missense change (SIFT: "Tolerated"; PolyPhen-2: "Not Available"; Align-GVGD: "Class C0"). In summary, the available evidence is currently insufficient to determine the role of this variant in disease. Therefore, it has been classified as a Variant of Uncertain Significance.